The following is an entry in ClinVar:

NM_198252.3(GSN):c.854A>C (p.His285Pro)

Gene: GSN (gelsolin; plus strand). Cytogenetic location: 9q33.2.
Variant type: single nucleotide variant.
Coding change: c.854A>C on transcript NM_198252.3 (MANE Select); coding-DNA position 854, A replaced by C.
Protein change: p.His285Pro; replaces histidine 285 with proline.
Molecular consequence: missense variant.
Genome position (GRCh38, 1-based): chr9:121,317,186, A>C. VCF-style: chr9-121317186-A-C. GRCh37 (hg19) VCF-style: chr9-124079464-A-C.
Other names: c.854A>C, p.His285Pro (NM_001127662.2, NM_001127664.2, NM_001127665.2 and 10 more transcripts); c.962A>C, p.His321Pro (NM_001127663.2); c.887A>C, p.His296Pro (NM_001127666.2, NM_001127667.2, NM_001353064.2 and 13 more transcripts); c.905A>C, p.His302Pro (NM_001258029.2); c.878A>C, p.His293Pro (NM_001258030.2); c.1007A>C, p.His336Pro (NM_000177.5); c.926A>C, p.His309Pro (NM_001353076.2); c.200A>C, p.His67Pro (NM_001353078.2); short protein forms H321P, H293P, H296P, H302P, H67P, H285P, H309P, H336P.
Identifiers: ClinVar variation 3703397 (VCV003703397.2).

ClinVar aggregate classification (germline): Uncertain significance (1 of 4 stars; one submission).

Submission:

Labcorp Genetics (formerly Invitae), Labcorp
Classification: Uncertain significance. Last evaluated: 2024-11-27. Review status: criteria provided, single submitter. Criteria: Invitae Variant Classification Sherloc (09022015). Collection method: clinical testing. Allele origin: germline.
Comment: This sequence change replaces histidine, which is basic and polar, with proline, which is neutral and non-polar, at codon 336 of the GSN protein (p.His336Pro). This variant is not present in population databases (gnomAD no frequency). This variant has not been reported in the literature in individuals affected with GSN-related conditions. Invitae Evidence Modeling of protein sequence and biophysical properties (such as structural, functional, and spatial information, amino acid conservation, physicochemical variation, residue mobility, and thermodynamic stability) has been performed for this missense variant. However, the output from this modeling did not meet the statistical confidence thresholds required to predict the impact of this variant on GSN protein function. In summary, the available evidence is currently insufficient to determine the role of this variant in disease. Therefore, it has been classified as a Variant of Uncertain Significance.